The following is an entry in ClinVar:

NM_000059.4(BRCA2):c.4470A>G (p.Ile1490Met)

Gene: BRCA2 (BRCA2 DNA repair associated; plus strand). Cytogenetic location: 13q13.1.
Variant type: single nucleotide variant.
Coding change: c.4470A>G on transcript NM_000059.4 (MANE Select); coding-DNA position 4470, A replaced by G.
Protein change: p.Ile1490Met; replaces isoleucine 1490 with methionine.
Molecular consequence: missense variant.
Genome position (GRCh38, 1-based): chr13:32,338,825, A>G. VCF-style: chr13-32338825-A-G. GRCh37 (hg19) VCF-style: chr13-32912962-A-G.
Other names: short protein forms I1490M.
Identifiers: ClinVar variation 925300 (VCV000925300.17), dbSNP rs1593902461, ClinGen allele CA387781457.

ClinVar aggregate classification (germline): Conflicting classifications of pathogenicity. Review status: criteria provided, conflicting classifications (1 of 4 stars). 5 submissions from 5 submitters: Uncertain significance (4); Likely benign (1). Last evaluated 2025-09-21.

Conditions:
Hereditary cancer-predisposing syndrome. Also called: Hereditary Cancer Syndrome; Hereditary neoplastic syndrome; Neoplastic Syndromes, Hereditary; Tumor predisposition. Identifiers: Orphanet 140162, MedGen C0027672, MeSH D009386, MONDO:0015356.
Hereditary breast ovarian cancer syndrome. Also called: BRCA1- and BRCA2-Associated Hereditary Breast and Ovarian Cancer; Hereditary breast and ovarian cancer syndrome; Hereditary breast and ovarian cancer syndrome (HBOC); Breast and ovarian cancer; Hereditary breast and ovarian cancer; Hereditary breast and/or ovarian cancer syndrome. Identifiers: Orphanet 145, MedGen C0677776, MeSH D061325, MONDO:0003582. Disease mechanism: loss of function.
Breast-ovarian cancer, familial, susceptibility to, 2 (BROVCA2). Also called: BRCA2 Hereditary Breast and Ovarian Cancer. Identifiers: Orphanet 145, MedGen C2675520, MONDO:0012933, OMIM 612555. Disease mechanism: loss of function.

gnomAD v4.1: 1 of 1,613,876 alleles (0.000062%); no homozygotes.

Submissions (5):

Ambry Genetics
Classification: Uncertain significance for Hereditary cancer-predisposing syndrome. Last evaluated: 2025-09-21. Review status: criteria provided, single submitter. Criteria: Ambry Variant Classification Scheme 2023. Collection method: clinical testing. Allele origin: germline.
Comment: The p.I1490M variant (also known as c.4470A>G), located in coding exon 10 of the BRCA2 gene, results from an A to G substitution at nucleotide position 4470. The isoleucine at codon 1490 is replaced by methionine, an amino acid with highly similar properties. This alteration has been reported with a carrier frequency of 0.0000 in 53 unselected male breast cancer patients and 0.00001 in 12490 male controls of Japanese ancestry (Momozawa Y et al. Nat Commun. 2018 10;9:4083). This amino acid position is not well conserved in available vertebrate species. In addition, this alteration is predicted to be tolerated by in silico analysis. Since supporting evidence is limited at this time, the clinical significance of this alteration remains unclear.

Labcorp Genetics (formerly Invitae), Labcorp
Classification: Uncertain significance for Hereditary breast ovarian cancer syndrome. Last evaluated: 2024-04-10. Review status: criteria provided, single submitter. Criteria: Invitae Variant Classification Sherloc (09022015). Collection method: clinical testing. Allele origin: germline.
Comment: This sequence change replaces isoleucine, which is neutral and non-polar, with methionine, which is neutral and non-polar, at codon 1490 of the BRCA2 protein (p.Ile1490Met). This variant is not present in population databases (gnomAD no frequency). This variant has not been reported in the literature in individuals affected with BRCA2-related conditions. ClinVar contains an entry for this variant (Variation ID: 925300). Advanced modeling of protein sequence and biophysical properties (such as structural, functional, and spatial information, amino acid conservation, physicochemical variation, residue mobility, and thermodynamic stability) performed at Invitae indicates that this missense variant is not expected to disrupt BRCA2 protein function with a negative predictive value of 95%. In summary, the available evidence is currently insufficient to determine the role of this variant in disease. Therefore, it has been classified as a Variant of Uncertain Significance.

University of Washington Department of Laboratory Medicine, University of Washington
Classification: Likely benign for Hereditary cancer-predisposing syndrome. Last evaluated: 2023-03-23. Review status: criteria provided, single submitter. Criteria: Dines et al. (Genet Med. 2020). Collection method: curation. Allele origin: germline.
Comment: Missense variant in a coldspot region where missense variants are very unlikely to be pathogenic (PMID:31911673).

BRCA2 exon 11 coldspot. Reclassification based on statistical prior probability.

Neuberg Centre For Genomic Medicine, NCGM
Classification: Uncertain significance for Breast-ovarian cancer, familial, susceptibility to, 2. Last evaluated: 2023-02-14. Review status: criteria provided, single submitter. Criteria: ACMG Guidelines, 2015. Collection method: clinical testing. Allele origin: germline. Inheritance: Autosomal dominant inheritance. Affected: yes.
Comment: The missense c.4470A>G(p.Ile1490Met) variant in BRCA2 gene has not been reported previously as a pathogenic variant nor a benign variant, to our knowledge. The p.Ile1490Met variant is novel (not in any individuals) in both gnomAD Exomes and 1000 Genomes databases. This variant has been reported to the ClinVar database as Uncertain Significance. The amino acid change p.Ile1490Met in BRCA2 is predicted as conserved by GERP++ and PhyloP across 100 vertebrates. The amino acid Ile at position 1490 is changed to a Met changing protein sequence and it might alter its composition and physico-chemical properties. For these reasons, this variant has been classified as a Variant of Uncertain Significance (VUS).

Color Diagnostics, LLC DBA Color Health
Classification: Uncertain significance for Hereditary cancer-predisposing syndrome. Last evaluated: 2020-09-28. Review status: criteria provided, single submitter. Criteria: ACMG Guidelines, 2015. Collection method: clinical testing. Allele origin: germline.
Comment: This missense variant replaces isoleucine with methionine at codon 1490 of the BRCA2 protein. Computational prediction suggests that this variant may not impact protein structure and function (internally defined REVEL score threshold <= 0.5, PMID: 27666373). To our knowledge, functional studies have not been reported for this variant. This variant has not been reported in individuals affected with hereditary cancer in the literature. This variant has not been identified in the general population by the Genome Aggregation Database (gnomAD). The available evidence is insufficient to determine the role of this variant in disease conclusively. Therefore, this variant is classified as a Variant of Uncertain Significance.

Literature cited by the submitters: PubMed 30287823 (cited by Ambry Genetics).